The following is an entry in ClinVar:

ClinVar aggregate classification (germline): Uncertain significance (1 of 4 stars; one submission).

Conditions:
Inborn genetic diseases. Identifiers: MedGen C0950123, MeSH D030342.

gnomAD v4.1: 2 of 1,614,126 alleles (0.00012%); highest among the groups gnomAD compares: African/African-American, 0.0027%; no homozygotes.

Submission:

Ambry Genetics
Classification: Uncertain significance for Inborn genetic diseases. Last evaluated: 2025-12-15. Review status: criteria provided, single submitter. Criteria: Ambry Variant Classification Scheme 2023. Collection method: clinical testing. Allele origin: germline.
Comment: The c.3359A>G (p.K1120R) alteration is located in exon 39 (coding exon 39) of the COL4A1 gene. This alteration results from a A to G substitution at nucleotide position 3359, causing the lysine (K) at amino acid position 1120 to be replaced by an arginine (R). Based on data from gnomAD, the G allele has an overall frequency of <0.001% (1/251476) total alleles studied. The highest observed frequency was 0.001% (1/113762) of European (non-Finnish) alleles. Based on insufficient or conflicting evidence, the clinical significance of this alteration remains unclear.

NM_001845.6(COL4A1):c.3359A>G (p.Lys1120Arg)

Gene: COL4A1 (collagen type IV alpha 1 chain; minus strand). Cytogenetic location: 13q34.
Variant type: single nucleotide variant.
Coding change: c.3359A>G on transcript NM_001845.6 (MANE Select); coding-DNA position 3359, A replaced by G.
Protein change: p.Lys1120Arg; replaces lysine 1120 with arginine.
Molecular consequence: missense variant.
Genome position (GRCh38, 1-based): chr13:110,174,493, T>C on the plus strand (A>G on the coding strand, the complement: COL4A1 is on the minus strand). VCF-style: chr13-110174493-T-C. GRCh37 (hg19) VCF-style: chr13-110826840-T-C.
Other names: short protein forms K1120R.
Identifiers: ClinVar variation 4835104 (VCV004835104.1).